The following is an entry in ClinVar:

NM_000135.4(FANCA):c.1144C>T (p.Gln382Ter)

Gene: FANCA (FA complementation group A; minus strand). Cytogenetic location: 16q24.3.
Variant type: single nucleotide variant.
Coding change: c.1144C>T on transcript NM_000135.4 (MANE Select); coding-DNA position 1144, C replaced by T.
Protein change: p.Gln382Ter; replaces glutamine 382 with a stop codon.
Molecular consequence: nonsense.
Genome position (GRCh38, 1-based): chr16:89,792,008, G>A on the plus strand (C>T on the coding strand, the complement: FANCA is on the minus strand). VCF-style: chr16-89792008-G-A. GRCh37 (hg19) VCF-style: chr16-89858416-G-A.
Other names: c.1144C>T, p.Gln382Ter (NM_001286167.3); short protein forms Q382*.
Identifiers: ClinVar variation 1071067 (VCV001071067.10), dbSNP rs769718381, ClinGen allele CA8252497.

ClinVar aggregate classification (germline): Pathogenic. Review status: criteria provided, multiple submitters, no conflicts (2 of 4 stars). 2 submissions from 2 submitters: Pathogenic (2). Last evaluated 2023-03-03.

Conditions:
Fanconi anemia (FA). Also called: Fanconi's anemia. Identifiers: Orphanet 84, MedGen C0015625, MeSH D005199, MONDO:0019391.
Fanconi anemia complementation group A (FANCA). Also called: FANCA-Related Fanconi Anemia; Fanconi anemia, group A. Identifiers: Orphanet 84, MedGen C3469521, MONDO:0009215, OMIM 227650.

Allele frequency attached by ClinVar (database versions not stated): gnomAD exomes below 0.00001; TOPMed below 0.00001; ExAC 0.00001; gnomAD 0.00001.
gnomAD v4.1: 3 of 1,614,066 alleles (0.00019%); highest among the groups gnomAD compares: East Asian, 0.0022%; no homozygotes.

Submissions (2):

Baylor Genetics
Classification: Pathogenic for Fanconi anemia complementation group A. Last evaluated: 2023-03-03. Review status: criteria provided, single submitter. Criteria: ACMG Guidelines, 2015. Collection method: clinical testing. Allele origin: unknown.

Labcorp Genetics (formerly Invitae), Labcorp
Classification: Pathogenic for Fanconi anemia. Last evaluated: 2022-03-07. Review status: criteria provided, single submitter. Criteria: Invitae Variant Classification Sherloc (09022015). Collection method: clinical testing. Allele origin: germline.
Comment: For these reasons, this variant has been classified as Pathogenic. Algorithms developed to predict the effect of sequence changes on RNA splicing suggest that this variant may create or strengthen a splice site. ClinVar contains an entry for this variant (Variation ID: 1071067). This premature translational stop signal has been observed in individual(s) with Fanconi anemia (PMID: 28623394, 30031030). This variant is present in population databases (rs769718381, gnomAD 0.006%). This sequence change creates a premature translational stop signal (p.Gln382*) in the FANCA gene. It is expected to result in an absent or disrupted protein product. Loss-of-function variants in FANCA are known to be pathogenic (PMID: 19367192).

Literature cited by the submitters: PubMed 28623394 (cited by Labcorp Genetics (formerly Invitae), Labcorp); PubMed 30031030 (cited by Labcorp Genetics (formerly Invitae), Labcorp); PubMed 19367192 (cited by Labcorp Genetics (formerly Invitae), Labcorp).